The following is an entry in ClinVar:

NM_000051.4(ATM):c.2686C>G (p.Leu896Val)

Gene: ATM (ATM serine/threonine kinase; plus strand). Cytogenetic location: 11q22.3.
Variant type: single nucleotide variant.
Coding change: c.2686C>G on transcript NM_000051.4 (MANE Select); coding-DNA position 2686, C replaced by G.
Protein change: p.Leu896Val; replaces leucine 896 with valine.
Molecular consequence: missense variant.
Genome position (GRCh38, 1-based): chr11:108,268,457, C>G. VCF-style: chr11-108268457-C-G. GRCh37 (hg19) VCF-style: chr11-108139184-C-G.
Other names: c.2686C>G, p.Leu896Val (NM_001351834.2); short protein forms L896V.
Identifiers: ClinVar variation 653987 (VCV000653987.12), dbSNP rs747696133, ClinGen allele CA6265095.

ClinVar aggregate classification (germline): Uncertain significance. Review status: criteria provided, single submitter (1 of 4 stars). 2 submissions from 2 submitters: Uncertain significance (1). 1 of the submissions does not count toward it. Last evaluated 2018-11-21.

Conditions:
Ataxia-telangiectasia syndrome (AT). Also called: ATAXIA-TELANGIECTASIA, FRESNO VARIANT; Ataxia-telangiectasia, complementation group D; Cerebello-oculocutaneous telangiectasia; Immunodeficiency with ataxia telangiectasia; Ataxia-telangiectasia; Ataxia telangiectasia (A-T). Identifiers: Orphanet 100, MedGen C0004135, MONDO:0008840, OMIM 208900.

Allele frequency attached by ClinVar (database versions not stated): gnomAD exomes below 0.00001; ExAC 0.00001.
gnomAD v4.1: 2 of 1,613,982 alleles (0.00012%); highest among the groups gnomAD compares: Non-Finnish European, 0.000085%; no homozygotes.

Submissions (2):

Labcorp Genetics (formerly Invitae), Labcorp
Classification: Uncertain significance for Ataxia-telangiectasia syndrome. Last evaluated: 2018-11-21. Review status: criteria provided, single submitter. Criteria: Invitae Variant Classification Sherloc (09022015). Collection method: clinical testing. Allele origin: germline.
Comment: This sequence change replaces leucine with valine at codon 896 of the ATM protein (p.Leu896Val). The leucine residue is moderately conserved and there is a small physicochemical difference between leucine and valine. The frequency data for this variant in the population databases is considered unreliable, as metrics indicate poor data quality at this position in the ExAC database. This variant has not been reported in the literature in individuals with ATM-related disease. Algorithms developed to predict the effect of missense changes on protein structure and function (SIFT, PolyPhen-2, Align-GVGD) all suggest that this variant is likely to be tolerated, but these predictions have not been confirmed by published functional studies and their clinical significance is uncertain. In summary, the available evidence is currently insufficient to determine the role of this variant in disease. Therefore, it has been classified as a Variant of Uncertain Significance.

Natera, Inc.
Classification: Uncertain significance for Ataxia-telangiectasia. Last evaluated: 2020-08-06. Review status: no assertion criteria provided. Collection method: clinical testing. Allele origin: germline. Not counted in ClinVar's aggregate classification.